The following is an entry in ClinVar:

NM_032043.3(BRIP1):c.*3514T>G

Gene: BRIP1 (BRCA1 interacting DNA helicase 1; minus strand). Cytogenetic location: 17q23.2.
Variant type: single nucleotide variant.
Coding change: c.*3514T>G on transcript NM_032043.3 (MANE Select); 3514 bases downstream of the stop codon, T replaced by G.
Molecular consequence: 3 prime UTR variant.
Genome position (GRCh38, 1-based): chr17:61,679,782, A>C on the plus strand (T>G on the coding strand, the complement: BRIP1 is on the minus strand). VCF-style: chr17-61679782-A-C. GRCh37 (hg19) VCF-style: chr17-59757143-A-C.
Identifiers: ClinVar variation 324292 (VCV000324292.5), dbSNP rs10744996, ClinGen allele CA10650598.

ClinVar aggregate classification (germline): Benign (1 of 4 stars; one submission).

Conditions:
Fanconi anemia complementation group J. Also called: BRIP1-Related Fanconi Anemia. Identifiers: Orphanet 84, MedGen C1836860, MONDO:0012187, OMIM 609054.

Allele frequency attached by ClinVar (database versions not stated): gnomAD 0.68796 and 0.69323; TOPMed 0.71887; 1000 Genomes Project 0.76218; 1000 Genomes Project 30x 0.76405.
gnomAD v4.1: 105,294 of 152,034 alleles (69%); highest among the groups gnomAD compares: East Asian, 89%; 37,019 homozygotes.

Submission:

Illumina Laboratory Services, Illumina
Classification: Benign for Fanconi anemia complementation group J. Last evaluated: 2018-01-12. Review status: criteria provided, single submitter. Criteria: ICSL Variant Classification Criteria 13 December 2019. Collection method: clinical testing. Allele origin: germline.
Comment: This variant was observed in the ICSL laboratory as part of a predisposition screen in an ostensibly healthy population. It had not been previously curated by ICSL or reported in the Human Gene Mutation Database (HGMD: prior to June 1st, 2018), and was therefore a candidate for classification through an automated scoring system. Utilizing variant allele frequency, disease prevalence and penetrance estimates, and inheritance mode, an automated score was calculated to assess if this variant is too frequent to cause the disease. Based on the score and internal cut-off values, a variant classified as benign is not then subjected to further curation. The score for this variant resulted in a classification of benign for this disease.